The following is an entry in ClinVar:

ClinVar aggregate classification (germline): Likely pathogenic. Review status: criteria provided, single submitter (1 of 4 stars). 3 submissions from 3 submitters: Likely pathogenic (1). 2 of the submissions do not count toward it. Last evaluated 2020-06-11.

Conditions:
Hyperlipidemia, familial combined, LPL related (FCHL3). Also called: Hyperapobetalipoproteinemia. Identifiers: MedGen C0020474, MONDO:0007759, OMIM 144250, HP:0008158.
Hyperlipoproteinemia, type I. Also called: Hyperlipoproteinemia type 1; Hyperchylomicro-nemia familial; Familial chylomicronemia; Hyperlipemia idiopathic Burger-Grutz type; Familial hyperlipo-proteinemia type 1; Hyperlipemia essential familial. Identifiers: Orphanet 309015, Orphanet 444490, MedGen C0023817, MONDO:0009387, OMIM 238600. Disease mechanism: loss of function.

Allele frequency attached by ClinVar (database versions not stated): gnomAD exomes 0.00001 and below 0.00001.

Submissions (3):

Human Genome Sequencing Center Clinical Lab, Baylor College of Medicine
Classification: Likely pathogenic for Hyperlipidemia, familial combined, LPL related. Last evaluated: 2020-06-11. Review status: criteria provided, single submitter. Criteria: ACMG Guidelines, 2015. Collection method: clinical testing. Allele origin: germline.
Comment: The c.929G>A (p.Cys310Tyr) variant (also known as Cys283Tyr, rs1409123950) in the LPL gene has been reported in a proband with hypertriglyceridemia (PMID: 12204001). This variant is present at very low frequency in 2/251336 alleles in the gnomAD population database and is predicted to be deleterious by multiple bioinformatics algorithms. In vitro expression study showed decreased catalytic activity resulting from this variant (PMID: 12204001). At the same residue, c. 928T>C (p.Cys310Arg) is reported in patients with severe hypertriglyceridemia and recurrent pancreatitis (PMID: 28548960). Therefore, the c.929G>A (p.Cys310Tyr) variant in the LPL gene is classified as likely pathogenic.

Cardiovascular Genetics Laboratory, PathWest Laboratory Medicine WA - Fiona Stanley Hospital
Classification: Pathogenic for Hyperlipoproteinemia, type I. Last evaluated: 2025-08-20. Review status: no assertion criteria provided. Criteria: ACMG Guidelines, 2015. Collection method: clinical testing. Allele origin: germline. Affected: yes. Not counted in ClinVar's aggregate classification.

GBinsight Genetic Testing by GB HealthWatch, Genben Lifesciences Corporation
Classification: Pathogenic for Hyperlipoproteinemia, type I. Last evaluated: 2020-05-27. Review status: no assertion criteria provided. Collection method: clinical testing. Allele origin: germline. Inheritance: Autosomal recessive inheritance. Affected: yes. Not counted in ClinVar's aggregate classification.

NM_000237.3(LPL):c.929G>A (p.Cys310Tyr)

Gene: LPL (lipoprotein lipase; plus strand). Cytogenetic location: 8p21.3.
Variant type: single nucleotide variant.
Coding change: c.929G>A on transcript NM_000237.3 (MANE Select); coding-DNA position 929, G replaced by A.
Protein change: p.Cys310Tyr; replaces cysteine 310 with tyrosine.
Molecular consequence: missense variant.
Genome position (GRCh38, 1-based): chr8:19,955,994, G>A. VCF-style: chr8-19955994-G-A. GRCh37 (hg19) VCF-style: chr8-19813505-G-A.
Other names: short protein forms C310Y.
Identifiers: ClinVar variation 979021 (VCV000979021.4), dbSNP rs1409123950, ClinGen allele CA370469267.